The following is an entry in ClinVar:

ClinVar aggregate classification (germline): Uncertain significance. Review status: criteria provided, multiple submitters, no conflicts (2 of 4 stars). 2 submissions from 2 submitters: Uncertain significance (2). Last evaluated 2024-04-22.

gnomAD v4.1: 12 of 1,613,452 alleles (0.00074%); highest among the groups gnomAD compares: Admixed American, 0.018%; no homozygotes.

Submissions (2):

Blueprint Genetics
Classification: Uncertain significance. Last evaluated: 2024-04-22. Review status: criteria provided, single submitter. Criteria: ACMG Guidelines, 2015. Collection method: clinical testing. Allele origin: germline.

Labcorp Genetics (formerly Invitae), Labcorp
Classification: Uncertain significance. Last evaluated: 2022-08-02. Review status: criteria provided, single submitter. Criteria: Invitae Variant Classification Sherloc (09022015). Collection method: clinical testing. Allele origin: germline.
Comment: In summary, the available evidence is currently insufficient to determine the role of this variant in disease. Therefore, it has been classified as a Variant of Uncertain Significance. Algorithms developed to predict the effect of missense changes on protein structure and function are either unavailable or do not agree on the potential impact of this missense change (SIFT: "Deleterious"; PolyPhen-2: "Benign"; Align-GVGD: "Class C0"). This variant has not been reported in the literature in individuals affected with P3H2-related conditions. This variant is present in population databases (no rsID available, gnomAD 0.003%). This sequence change replaces glutamic acid, which is acidic and polar, with glycine, which is neutral and non-polar, at codon 261 of the P3H2 protein (p.Glu261Gly).

NM_018192.4(P3H2):c.782A>G (p.Glu261Gly)

Gene: P3H2 (prolyl 3-hydroxylase 2; minus strand). Cytogenetic location: 3q28.
Variant type: single nucleotide variant.
Coding change: c.782A>G on transcript NM_018192.4 (MANE Select); coding-DNA position 782, A replaced by G.
Protein change: p.Glu261Gly; replaces glutamic acid 261 with glycine.
Molecular consequence: missense variant.
Genome position (GRCh38, 1-based): chr3:189,994,135, T>C on the plus strand (A>G on the coding strand, the complement: P3H2 is on the minus strand). VCF-style: chr3-189994135-T-C. GRCh37 (hg19) VCF-style: chr3-189711924-T-C.
Other names: c.239A>G, p.Glu80Gly (NM_001134418.2); short protein forms E261G, E80G.
Identifiers: ClinVar variation 2170044 (VCV002170044.3), dbSNP rs75523528, ClinGen allele CA89741527.